The following is an entry in ClinVar:

ClinVar aggregate classification (germline): Uncertain significance. Review status: criteria provided, multiple submitters, no conflicts (2 of 4 stars). 3 submissions from 3 submitters: Uncertain significance (3). Last evaluated 2025-10-07.

Conditions:
Inborn genetic diseases. Identifiers: MedGen C0950123, MeSH D030342.

Allele frequency attached by ClinVar (database versions not stated): TOPMed below 0.00001.

Submissions (3):

Ambry Genetics
Classification: Uncertain significance for Inborn genetic diseases. Last evaluated: 2025-10-07. Review status: criteria provided, single submitter. Criteria: Ambry Variant Classification Scheme 2023. Collection method: clinical testing. Allele origin: germline.

Labcorp Genetics (formerly Invitae), Labcorp
Classification: Uncertain significance. Last evaluated: 2024-04-04. Review status: criteria provided, single submitter. Criteria: Invitae Variant Classification Sherloc (09022015). Collection method: clinical testing. Allele origin: germline.
Comment: This sequence change replaces valine, which is neutral and non-polar, with isoleucine, which is neutral and non-polar, at codon 913 of the OPA1 protein (p.Val913Ile). This variant is not present in population databases (gnomAD no frequency). This variant has not been reported in the literature in individuals affected with OPA1-related conditions. ClinVar contains an entry for this variant (Variation ID: 1181697). Advanced modeling of protein sequence and biophysical properties (such as structural, functional, and spatial information, amino acid conservation, physicochemical variation, residue mobility, and thermodynamic stability) performed at Invitae indicates that this missense variant is not expected to disrupt OPA1 protein function with a negative predictive value of 80%. In summary, the available evidence is currently insufficient to determine the role of this variant in disease. Therefore, it has been classified as a Variant of Uncertain Significance.

GeneDx
Classification: Uncertain significance. Last evaluated: 2023-03-03. Review status: criteria provided, single submitter. Criteria: GeneDx Variant Classification Process June 2021. Collection method: clinical testing. Allele origin: germline. Affected: yes.
Comment: Not observed at significant frequency in large population cohorts (gnomAD); In silico analysis supports that this missense variant does not alter protein structure/function; Has not been previously published as pathogenic or benign to our knowledge

NM_130837.3(OPA1):c.2902G>A (p.Val968Ile)

Gene: OPA1 (OPA1 mitochondrial dynamin like GTPase; plus strand). Cytogenetic location: 3q29.
Variant type: single nucleotide variant.
Coding change: c.2902G>A on transcript NM_130837.3 (MANE Select); coding-DNA position 2902, G replaced by A.
Protein change: p.Val968Ile; replaces valine 968 with isoleucine.
Molecular consequence: missense variant.
Genome position (GRCh38, 1-based): chr3:193,667,199, G>A. VCF-style: chr3-193667199-G-A. GRCh37 (hg19) VCF-style: chr3-193384988-G-A.
Other names: c.2737G>A, p.Val913Ile (NM_015560.3); c.2629G>A, p.Val877Ile (NM_130831.3); c.2683G>A, p.Val895Ile (NM_130832.3); c.2740G>A, p.Val914Ile (NM_130833.3); c.2791G>A, p.Val931Ile (NM_130834.3); c.2794G>A, p.Val932Ile (NM_130835.3); c.2848G>A, p.Val950Ile (NM_130836.3); c.2368G>A, p.Val790Ile (NM_001354663.2); and 1 more; short protein forms V789I, V790I, V877I, V895I, V913I, V914I, V931I, V932I.
Identifiers: ClinVar variation 1181697 (VCV001181697.7), dbSNP rs863224139, ClinGen allele CA355797280.